The following is an entry in ClinVar:

ClinVar aggregate classification (germline): Uncertain significance (1 of 4 stars; one submission).

Conditions:
Familial adenomatous polyposis 1 (FAP1). Also called: FAMILIAL ADENOMATOUS POLYPOSIS 1, ATTENUATED; POLYPOSIS, ADENOMATOUS INTESTINAL. Identifiers: MedGen C2713442, MONDO:0021056, OMIM 175100. Disease mechanism: loss of function.

Submission:

Labcorp Genetics (formerly Invitae), Labcorp
Classification: Uncertain significance for Familial adenomatous polyposis 1. Last evaluated: 2020-03-29. Review status: criteria provided, single submitter. Criteria: Invitae Variant Classification Sherloc (09022015). Collection method: clinical testing. Allele origin: germline.
Comment: Algorithms developed to predict the effect of missense changes on protein structure and function (SIFT, PolyPhen-2, Align-GVGD) all suggest that this variant is likely to be tolerated, but these predictions have not been confirmed by published functional studies and their clinical significance is uncertain. In summary, the available evidence is currently insufficient to determine the role of this variant in disease. Therefore, it has been classified as a Variant of Uncertain Significance. This variant has not been reported in the literature in individuals with APC-related conditions. This variant is not present in population databases (ExAC no frequency). This sequence change replaces isoleucine with leucine at codon 897 of the APC protein (p.Ile897Leu). The isoleucine residue is moderately conserved and there is a small physicochemical difference between isoleucine and leucine.

NM_000038.6(APC):c.2689A>C (p.Ile897Leu)

Gene: APC (APC regulator of Wnt signaling pathway; plus strand). Cytogenetic location: 5q22.2.
Variant type: single nucleotide variant.
Coding change: c.2689A>C on transcript NM_000038.6 (MANE Select); coding-DNA position 2689, A replaced by C.
Protein change: p.Ile897Leu; replaces isoleucine 897 with leucine.
Molecular consequence: missense variant.
Genome position (GRCh38, 1-based): chr5:112,838,283, A>C. VCF-style: chr5-112838283-A-C. GRCh37 (hg19) VCF-style: chr5-112173980-A-C.
Other names: c.2689A>C, p.Ile897Leu (NM_001127510.3, NM_001354895.2); c.2635A>C, p.Ile879Leu (NM_001127511.3); c.2743A>C, p.Ile915Leu (NM_001354896.2); c.2719A>C, p.Ile907Leu (NM_001354897.2); c.2614A>C, p.Ile872Leu (NM_001354898.2); c.2605A>C, p.Ile869Leu (NM_001354899.2); c.2566A>C, p.Ile856Leu (NM_001354900.2); c.2512A>C, p.Ile838Leu (NM_001354901.2); and 5 more; short protein forms I614L, I737L, I771L, I796L, I806L, I838L, I856L, I869L.
Identifiers: ClinVar variation 1060368 (VCV001060368.10), dbSNP rs1391953704, ClinGen allele CA16027200.